The following is an entry in ClinVar:

NM_000642.3(AGL):c.2384C>G (p.Ser795Ter)

Gene: AGL (amylo-alpha-1,6-glucosidase and 4-alpha-glucanotransferase; plus strand). Cytogenetic location: 1p21.2.
Variant type: single nucleotide variant.
Coding change: c.2384C>G on transcript NM_000642.3 (MANE Select); coding-DNA position 2384, C replaced by G.
Protein change: p.Ser795Ter; replaces serine 795 with a stop codon.
Molecular consequence: nonsense.
Genome position (GRCh38, 1-based): chr1:99,884,195, C>G. VCF-style: chr1-99884195-C-G. GRCh37 (hg19) VCF-style: chr1-100349751-C-G.
Other names: c.2384C>G, p.Ser795Ter (NM_000643.3, NM_000644.3, NM_001425325.1 and 2 more transcripts); c.2006C>G, p.Ser669Ter (NM_001425332.1); c.2336C>G, p.Ser779Ter (NM_000646.3); c.2183C>G, p.Ser728Ter (NM_001425327.1); c.2180C>G, p.Ser727Ter (NM_001425328.1, NM_001425329.1); short protein forms S669*, S727*, S728*, S779*, S795*.
Identifiers: ClinVar variation 4814438 (VCV004814438.1).

ClinVar aggregate classification (germline): Likely pathogenic (1 of 4 stars; one submission).

Conditions:
Glycogen storage disease type III (GSD3). Also called: FORBES DISEASE; Cori disease. Identifiers: Orphanet 366, MedGen C0017922, MONDO:0009291, OMIM 232400.

Submission:

Natera, Inc.
Classification: Likely pathogenic for Glycogen storage disease type III. Last evaluated: 2024-05-29. Review status: criteria provided, single submitter. Criteria: Natera Variant Classification Schema (03/2026). Collection method: clinical testing. Allele origin: germline.
Comment: The c.2384C>G variant in AGL is a nonsense variant predicted to introduce a stop codon at amino acid 795. This variant is expected to result in nonsense mediated decay, truncation, or a dysfunctional protein product. This variant is rare in the general population with a frequency below the threshold expected for the associated phenotype(s). Given the available evidence, this variant is classified as Likely Pathogenic.